The following is an entry in ClinVar:

ClinVar aggregate classification (germline): Conflicting classifications of pathogenicity. Review status: criteria provided, conflicting classifications (1 of 4 stars). 11 submissions from 11 submitters: Uncertain significance (6); Likely benign (3). 2 of the submissions do not count toward it. Last evaluated 2026-02-03.

Conditions:
AP4B1-related disorder. Also called: AP4B1-related condition.
Intellectual disability. Also called: intellectual disabilities; Intellectual developmental disorder; Intellectual functioning disability. Identifiers: MedGen C3714756, MeSH D008607, MONDO:0001071, HP:0001249.
Hereditary spastic paraplegia. Also called: Familial spastic paraparesis. Identifiers: Orphanet 685, MedGen C0037773, MONDO:0019064. Disease mechanism: loss of function.
Hereditary spastic paraplegia 47. Also called: adaptor protein 4 (AP-4) deficiency syndrome; Spastic paraplegia 47, autosomal recessive; CEREBRAL PALSY, SPASTIC QUADRIPLEGIC, 5. Identifiers: Orphanet 280763, MedGen C3279738, MONDO:0013551, OMIM 614066.
Inborn genetic diseases. Identifiers: MedGen C0950123, MeSH D030342.

Allele frequency attached by ClinVar (database versions not stated): 1000 Genomes Project 30x 0.00031; 1000 Genomes Project 0.00040; gnomAD exomes 0.00116 and 0.00198; ExAC 0.00134; gnomAD 0.00135 and 0.00163; TOPMed 0.00161; ESP Exome Variant Server 0.00192.
gnomAD v4.1: 3,065 of 1,606,648 alleles (0.19%); highest among the groups gnomAD compares: Non-Finnish European, 0.24%; 3 homozygotes.

Submissions (11):

Labcorp Genetics (formerly Invitae), Labcorp
Classification: Likely benign for Hereditary spastic paraplegia 47. Last evaluated: 2026-02-03. Review status: criteria provided, single submitter. Criteria: Invitae Variant Classification Sherloc (09022015). Collection method: clinical testing. Allele origin: germline.

CeGaT Center for Human Genetics Tuebingen
Classification: Likely benign. Last evaluated: 2025-06-01. Review status: criteria provided, single submitter. Criteria: CeGaT Center For Human Genetics Tuebingen Variant Classification Criteria Version 2. Collection method: clinical testing. Allele origin: germline. Affected: yes. Observed: 5 variant alleles.
Comment: AP4B1: BS1

Blueprint Genetics
Classification: Uncertain significance. Last evaluated: 2024-11-25. Review status: criteria provided, single submitter. Criteria: ACMG Guidelines, 2015. Collection method: clinical testing. Allele origin: germline.

Women's Health and Genetics/Laboratory Corporation of America, LabCorp
Classification: Likely benign. Last evaluated: 2022-12-05. Review status: criteria provided, single submitter. Criteria: LabCorp Variant Classification Summary - May 2015. Collection method: clinical testing. Allele origin: germline.
Comment: Variant summary: AP4B1 c.755T>C (p.Val252Ala) results in a non-conservative amino acid change located in the Clathrin/coatomer adaptor, adaptin-like, N-terminal domain (IPR002553) of the encoded protein sequence. Three of five in-silico tools predict a benign effect of the variant on protein function. The variant allele was found at a frequency of 0.0012 in 247764 control chromosomes in the gnomAD database, including 1 homozygote. This frequency does not allow conclusions about variant significance. c.755T>C has been reported in the literature as a VUS in a heterozygous genotype along with co-occurring VUS/possibly benign variants in other genes in at-least two individuals with intellectual disability (ID) (example, Redin_2014) and in at-least two unrelated stuttering cases as well as population databases (Raza_2015). These report(s) do not provide unequivocal conclusions about association of the variant with Spastic Paraplegia 47, Autosomal Recessive. At-least one of the cases with ID ascertained above, reported a co-occurrence with another pathogenic variant(s) (RAI1 c.2332_2336del, p.Gly778Glnfs*7) establishing an alternate molecular basis of disease and providing supporting evidence for a benign role. To our knowledge, no experimental evidence demonstrating an impact on protein function has been reported. Eight clinical diagnostic laboratories have submitted clinical-significance assessments for this variant to ClinVar after 2014 without evidence for independent evaluation (VUS, n=7; likely benign, n=1). Based on the evidence outlined above, the variant was classified as likely benign.

GeneDx
Classification: Uncertain significance. Last evaluated: 2021-01-08. Review status: criteria provided, single submitter. Criteria: GeneDx Variant Classification Process June 2021. Collection method: clinical testing. Allele origin: germline. Affected: yes.
Comment: Reported in individuals with intellectual disability or persistent stuttering (Redin et al., 2014; Raza et al., 2015); In silico analysis supports that this missense variant has a deleterious effect on protein structure/function; This variant is associated with the following publications: (PMID: 25167861, 26544806)

Genome Diagnostics Laboratory, The Hospital for Sick Children
Classification: Uncertain significance for Hereditary spastic paraplegia. Last evaluated: 2020-02-01. Review status: criteria provided, single submitter. Criteria: ACMG Guidelines, 2015. Collection method: clinical testing. Allele origin: germline. Affected: yes.

Genetic Services Laboratory, University of Chicago
Classification: Uncertain significance. Last evaluated: 2019-07-18. Review status: criteria provided, single submitter. Criteria: ACMG Guidelines, 2015. Collection method: clinical testing. Allele origin: germline. Affected: no.

Ambry Genetics
Classification: Uncertain significance for Inborn genetic diseases. Last evaluated: 2019-01-05. Review status: criteria provided, single submitter. Criteria: Ambry Variant Classification Scheme 2023. Collection method: clinical testing. Allele origin: germline.
Comment: The p.V252A variant (also known as c.755T>C), located in coding exon 5 of the AP4B1 gene, results from a T to C substitution at nucleotide position 755. The valine at codon 252 is replaced by alanine, an amino acid with similar properties. This alteration was reported in an individual with intellectual disability (Redin C et al. J. Med. Genet., 2014 Nov;51:724-36), as well as in two unrelated stuttering cases (Raza MH et al. Am. J. Hum. Genet., 2015 Nov;97:715-25). This amino acid position is highly conserved in available vertebrate species; however, alanine is the reference amino acid in other vertebrate species. In addition, this alteration is predicted to be tolerated by in silico analysis. Since supporting evidence is limited at this time, the clinical significance of this alteration remains unclear.

Fulgent Genetics
Classification: Uncertain significance for Hereditary spastic paraplegia 47. Last evaluated: 2018-10-31. Review status: criteria provided, single submitter. Criteria: ACMG Guidelines, 2015. Collection method: clinical testing. Allele origin: unknown.

PreventionGenetics, part of Exact Sciences
Classification: Likely benign for AP4B1-related condition. Last evaluated: 2023-01-31. Review status: no assertion criteria provided. Collection method: clinical testing. Allele origin: germline. Not counted in ClinVar's aggregate classification.
Comment: This variant is classified as likely benign based on ACMG/AMP sequence variant interpretation guidelines (Richards et al. 2015 PMID: 25741868, with internal and published modifications).

Centre de Biologie Pathologie Génétique, Centre Hospitalier Universitaire de Lille
Classification: Uncertain significance for Intellectual disability. Last evaluated: 2019-01-01. Review status: no assertion criteria provided. Collection method: clinical testing. Allele origin: unknown. Affected: yes. Not counted in ClinVar's aggregate classification.

Literature cited by the submitters: PubMed 25167861 (cited by Women's Health and Genetics/Laboratory Corporation of America, LabCorp and Ambry Genetics); PubMed 26544806 (cited by Women's Health and Genetics/Laboratory Corporation of America, LabCorp and Ambry Genetics).

NM_001253852.3(AP4B1):c.755T>C (p.Val252Ala)

Genes: AP4B1 (adaptor related protein complex 4 subunit beta 1; minus strand), AP4B1-AS1 (AP4B1 antisense RNA 1; plus strand). Cytogenetic location: 1p13.2.
Variant type: single nucleotide variant.
Coding change: c.755T>C on transcript NM_001253852.3 (MANE Select); coding-DNA position 755, T replaced by C.
Protein change: p.Val252Ala; replaces valine 252 with alanine.
Molecular consequence: missense variant. On other transcripts: non-coding transcript variant (2).
Genome position (GRCh38, 1-based): chr1:113,900,263, A>G on the plus strand (T>C on the coding strand, the complement: AP4B1 is on the minus strand). VCF-style: chr1-113900263-A-G. GRCh37 (hg19) VCF-style: chr1-114442885-A-G.
Other names: c.458T>C, p.Val153Ala (NM_001253853.3); c.251T>C, p.Val84Ala (NM_001308312.2); c.755T>C, p.Val252Ala (NM_006594.5); short protein forms V252A, V153A, V84A.
Identifiers: ClinVar variation 386852 (VCV000386852.67), dbSNP rs141417436, ClinGen allele CA1016017.